The following is an entry in ClinVar:

ClinVar aggregate classification (germline): Uncertain significance (1 of 4 stars; one submission).

Conditions:
Familial cancer of breast. Also called: BREAST CANCER, FAMILIAL; Hereditary breast cancer; hereditary breast carcinoma. Identifiers: Orphanet 227535, MedGen C0346153, MONDO:0016419, OMIM 114480. Disease mechanism: loss of function.

Submission:

Labcorp Genetics (formerly Invitae), Labcorp
Classification: Uncertain significance for Familial cancer of breast. Last evaluated: 2025-07-23. Review status: criteria provided, single submitter. Criteria: Invitae Variant Classification Sherloc (09022015). Collection method: clinical testing. Allele origin: germline.
Comment: This sequence change replaces glutamic acid, which is acidic and polar, with aspartic acid, which is acidic and polar, at codon 138 of the PALB2 protein (p.Glu138Asp). This variant is not present in population databases (gnomAD no frequency). This missense change has been observed in individual(s) with breast cancer (PMID: 30613976). An algorithm developed to predict the effect of missense changes on protein structure and function (PolyPhen-2) suggests that this variant is likely to be tolerated. In summary, the available evidence is currently insufficient to determine the role of this variant in disease. Therefore, it has been classified as a Variant of Uncertain Significance.

Literature cited by the submitters: PubMed 30613976.

NM_024675.4(PALB2):c.414G>C (p.Glu138Asp)

Gene: PALB2 (partner and localizer of BRCA2; minus strand). Cytogenetic location: 16p12.2.
Variant type: single nucleotide variant.
Coding change: c.414G>C on transcript NM_024675.4 (MANE Select); coding-DNA position 414, G replaced by C.
Protein change: p.Glu138Asp; replaces glutamic acid 138 with aspartic acid.
Molecular consequence: missense variant. On other transcripts: 5 prime UTR variant (8), intron variant (3).
Genome position (GRCh38, 1-based): chr16:23,636,132, C>G on the plus strand (G>C on the coding strand, the complement: PALB2 is on the minus strand). VCF-style: chr16-23636132-C-G. GRCh37 (hg19) VCF-style: chr16-23647453-C-G.
Other names: c.354G>C, p.Glu118Asp (NM_001407296.1); c.414G>C, p.Glu138Asp (NM_001407297.1, NM_001407298.1, NM_001407299.1 and 3 more transcripts); c.-472G>C (NM_001407304.1, NM_001407305.1, NM_001407306.1 and 5 more transcripts); c.48+4978G>C (NM_001407314.1); c.-105+4978G>C (NM_001407313.1, NM_001407312.1); short protein forms E138D, E118D.
Identifiers: ClinVar variation 4763873 (VCV004763873.1).
Genomic context (GRCh38, chr16:23,636,132, plus strand): 5'-CTGTGAAATAAATGTCCTCTTCTGCTGCTTCTTTCTTCTGCTTGGCAGCTTCTGCTTTTG[C>G]TCACCACTAGGGTCACTGACCCTGTGGGGAAAATGTTCTTGGGTGTCATCTGTTCTTTGT-3'
Protein context (NP_078951.2, residues 128-148): FPHRVSDPSG[Glu138Asp]QKQKLPSRRK